The following is an entry in ClinVar:

ClinVar aggregate classification (germline): Uncertain significance. Review status: criteria provided, multiple submitters, no conflicts (2 of 4 stars). 2 submissions from 2 submitters: Uncertain significance (2). Last evaluated 2025-10-14.

Conditions:
Inborn genetic diseases. Identifiers: MedGen C0950123, MeSH D030342.

Allele frequency attached by ClinVar (database versions not stated): ExAC 0.00005; gnomAD 0.00001; TOPMed 0.00002.
gnomAD v4.1: 14 of 1,613,870 alleles (0.00087%); highest among the groups gnomAD compares: Admixed American, 0.022%; no homozygotes.

Submissions (2):

Ambry Genetics
Classification: Uncertain significance for Inborn genetic diseases. Last evaluated: 2025-10-14. Review status: criteria provided, single submitter. Criteria: Ambry Variant Classification Scheme 2023. Collection method: clinical testing. Allele origin: germline.

GeneDx
Classification: Uncertain significance. Last evaluated: 2023-08-27. Review status: criteria provided, single submitter. Criteria: GeneDx Variant Classification Process June 2021. Collection method: clinical testing. Allele origin: germline. Affected: yes.
Comment: In silico analysis supports that this missense variant has a deleterious effect on protein structure/function; Has not been previously published as pathogenic or benign to our knowledge

NM_006420.3(ARFGEF2):c.1979G>C (p.Arg660Thr)

Gene: ARFGEF2 (ARF guanine nucleotide exchange factor 2; plus strand). Cytogenetic location: 20q13.13.
Variant type: single nucleotide variant.
Coding change: c.1979G>C on transcript NM_006420.3 (MANE Select); coding-DNA position 1979, G replaced by C.
Protein change: p.Arg660Thr; replaces arginine 660 with threonine.
Molecular consequence: missense variant.
Genome position (GRCh38, 1-based): chr20:48,984,749, G>C. VCF-style: chr20-48984749-G-C. GRCh37 (hg19) VCF-style: chr20-47601286-G-C.
Other names: c.1976G>C, p.Arg659Thr (NM_001410846.1); short protein forms R659T, R660T.
Identifiers: ClinVar variation 2578220 (VCV002578220.2), dbSNP rs772051446, ClinGen allele CA9898533.